The following is an entry in ClinVar:

NM_002471.4(MYH6):c.304C>A (p.Leu102Ile)

Genes: MYH6 (myosin heavy chain 6; minus strand), LOC114827851 (VISTA enhancer hs2155; plus strand). Cytogenetic location: 14q11.2.
Variant type: single nucleotide variant.
Coding change: c.304C>A on transcript NM_002471.4 (MANE Select); coding-DNA position 304, C replaced by A.
Protein change: p.Leu102Ile; replaces leucine 102 with isoleucine.
Molecular consequence: missense variant.
Genome position (GRCh38, 1-based): chr14:23,405,668, G>T on the plus strand (C>A on the coding strand, the complement: MYH6 is on the minus strand). VCF-style: chr14-23405668-G-T. GRCh37 (hg19) VCF-style: chr14-23874877-G-T.
Other names: short protein forms L102I.
Identifiers: ClinVar variation 1799238 (VCV001799238.6), dbSNP rs762688602, ClinGen allele CA7116211.
Genomic context (GRCh38, chr14:23,405,668, plus strand): 5'-GTGTGCAGGAGCCACTCACATATATCATCCAGGCCGCGTAGCGCTCCTTGAGGTTGAAAA[G>T]CACCGCGGGCTCGTGCAGGAAGGTCAGCATGGCCATGTCCTCAATCTTGTCGAACTTGGG-3'
Protein context (NP_002462.2, residues 92-112): MLTFLHEPAV[Leu102Ile]FNLKERYAAW

ClinVar aggregate classification (germline): Uncertain significance. Review status: criteria provided, multiple submitters, no conflicts (2 of 4 stars). 2 submissions from 2 submitters: Uncertain significance (2). Last evaluated 2025-04-14.

Conditions:
Hypertrophic cardiomyopathy 14. Identifiers: MedGen C2750467, MONDO:0013197, OMIM 613251.
Cardiovascular phenotype. Identifiers: MedGen CN230736.

Allele frequency attached by ClinVar (database versions not stated): TOPMed 0.00001; gnomAD exomes 0.00003; ExAC 0.00004.
gnomAD v4.1: 16 of 1,614,200 alleles (0.00099%); highest among the groups gnomAD compares: Admixed American, 0.027%; no homozygotes.

Submissions (2):

Ambry Genetics
Classification: Uncertain significance for Cardiovascular phenotype. Last evaluated: 2025-04-14. Review status: criteria provided, single submitter. Criteria: Ambry Variant Classification Scheme 2023. Collection method: clinical testing. Allele origin: germline.
Comment: The p.L102I variant (also known as c.304C>A), located in coding exon 2 of the MYH6 gene, results from a C to A substitution at nucleotide position 304. The leucine at codon 102 is replaced by isoleucine, an amino acid with highly similar properties. This amino acid position is conserved. In addition, the in silico prediction for this alteration is inconclusive. Since supporting evidence is limited at this time, the clinical significance of this alteration remains unclear.

Labcorp Genetics (formerly Invitae), Labcorp
Classification: Uncertain significance for Hypertrophic cardiomyopathy 14. Last evaluated: 2024-12-23. Review status: criteria provided, single submitter. Criteria: Invitae Variant Classification Sherloc (09022015). Collection method: clinical testing. Allele origin: germline.
Comment: This sequence change replaces leucine, which is neutral and non-polar, with isoleucine, which is neutral and non-polar, at codon 102 of the MYH6 protein (p.Leu102Ile). This variant is present in population databases (rs762688602, gnomAD 0.04%), and has an allele count higher than expected for a pathogenic variant. This variant has not been reported in the literature in individuals affected with MYH6-related conditions. ClinVar contains an entry for this variant (Variation ID: 1799238). Invitae Evidence Modeling of protein sequence and biophysical properties (such as structural, functional, and spatial information, amino acid conservation, physicochemical variation, residue mobility, and thermodynamic stability) indicates that this missense variant is expected to disrupt MYH6 protein function with a positive predictive value of 80%. In summary, the available evidence is currently insufficient to determine the role of this variant in disease. Therefore, it has been classified as a Variant of Uncertain Significance.